The following is an entry in ClinVar:

ClinVar aggregate classification (germline): Uncertain significance (1 of 4 stars; one submission).

Allele frequency attached by ClinVar (database versions not stated): TOPMed below 0.00001.

Submission:

Labcorp Genetics (formerly Invitae), Labcorp
Classification: Uncertain significance. Last evaluated: 2024-10-29. Review status: criteria provided, single submitter. Criteria: Invitae Variant Classification Sherloc (09022015). Collection method: clinical testing. Allele origin: germline.
Comment: This sequence change replaces isoleucine, which is neutral and non-polar, with threonine, which is neutral and polar, at codon 2764 of the BPTF protein (p.Ile2764Thr). This variant is not present in population databases (gnomAD no frequency). This variant has not been reported in the literature in individuals affected with BPTF-related conditions. An algorithm developed to predict the effect of missense changes on protein structure and function (PolyPhen-2) suggests that this variant is likely to be disruptive. Algorithms developed to predict the effect of sequence changes on RNA splicing suggest that this variant may create or strengthen a splice site. In summary, the available evidence is currently insufficient to determine the role of this variant in disease. Therefore, it has been classified as a Variant of Uncertain Significance.

NM_182641.4(BPTF):c.8342T>C (p.Ile2781Thr)

Gene: BPTF (bromodomain PHD finger transcription factor; plus strand). Cytogenetic location: 17q24.2.
Variant type: single nucleotide variant.
Coding change: c.8342T>C on transcript NM_182641.4 (MANE Select); coding-DNA position 8342, T replaced by C.
Protein change: p.Ile2781Thr; replaces isoleucine 2781 with threonine.
Molecular consequence: missense variant.
Genome position (GRCh38, 1-based): chr17:67,964,292, T>C. VCF-style: chr17-67964292-T-C. GRCh37 (hg19) VCF-style: chr17-65960408-T-C.
Other names: c.8291T>C, p.Ile2764Thr (NM_004459.7); short protein forms I2781T, I2764T.
Identifiers: ClinVar variation 2743553 (VCV002743553.3), dbSNP rs2067797266, ClinGen allele CA400732253.